The following is an entry in ClinVar:

ClinVar aggregate classification (germline): Uncertain significance (1 of 4 stars; one submission).

Conditions:
Cardiovascular phenotype. Identifiers: MedGen CN230736.
Hereditary cancer-predisposing syndrome. Also called: Tumor predisposition; Hereditary neoplastic syndrome; Neoplastic Syndromes, Hereditary; Hereditary Cancer Syndrome. Identifiers: Orphanet 140162, MedGen C0027672, MeSH D009386, MONDO:0015356.

Submission:

Ambry Genetics
Classification: Uncertain significance for Cardiovascular phenotype; Hereditary cancer-predisposing syndrome. Last evaluated: 2025-04-19. Review status: criteria provided, single submitter. Criteria: Ambry Variant Classification Scheme 2023. Collection method: clinical testing. Allele origin: germline.
Comment: The p.K538E variant (also known as c.1612A>G), located in coding exon 14 of the LZTR1 gene, results from an A to G substitution at nucleotide position 1612. The lysine at codon 538 is replaced by glutamic acid, an amino acid with similar properties. This amino acid position is conserved. In addition, this alteration is predicted to be tolerated by in silico analysis. Based on the available evidence, the clinical significance of this variant remains unclear.

NM_006767.4(LZTR1):c.1612A>G (p.Lys538Glu)

Gene: LZTR1 (leucine zipper like post translational regulator 1; plus strand). Cytogenetic location: 22q11.21.
Variant type: single nucleotide variant.
Coding change: c.1612A>G on transcript NM_006767.4 (MANE Select); coding-DNA position 1612, A replaced by G.
Protein change: p.Lys538Glu; replaces lysine 538 with glutamic acid.
Molecular consequence: missense variant.
Genome position (GRCh38, 1-based): chr22:20,994,266, A>G. VCF-style: chr22-20994266-A-G. GRCh37 (hg19) VCF-style: chr22-21348555-A-G.
Other names: short protein forms K538E.
Identifiers: ClinVar variation 3992530 (VCV003992530.1).